The following is an entry in ClinVar:

ClinVar aggregate classification (germline): Uncertain significance (1 of 4 stars; one submission).

Allele frequency attached by ClinVar (database versions not stated): gnomAD 0.00002; TOPMed 0.00002; 1000 Genomes Project 30x 0.00016; 1000 Genomes Project 0.00020.

Submission:

Labcorp Genetics (formerly Invitae), Labcorp
Classification: Uncertain significance. Last evaluated: 2022-04-30. Review status: criteria provided, single submitter. Criteria: Invitae Variant Classification Sherloc (09022015). Collection method: clinical testing. Allele origin: germline.
Comment: In summary, the available evidence is currently insufficient to determine the role of this variant in disease. Therefore, it has been classified as a Variant of Uncertain Significance. Algorithms developed to predict the effect of missense changes on protein structure and function are either unavailable or do not agree on the potential impact of this missense change (SIFT: "Not Available"; PolyPhen-2: "Probably Damaging"; Align-GVGD: "Not Available"). This variant has not been reported in the literature in individuals affected with GZF1-related conditions. This variant is present in population databases (rs140856017, gnomAD 0.01%). This sequence change replaces glutamine, which is neutral and polar, with histidine, which is basic and polar, at codon 563 of the GZF1 protein (p.Gln563His).

NM_022482.5(GZF1):c.1689G>C (p.Gln563His)

Gene: GZF1 (GDNF inducible zinc finger protein 1; plus strand). Cytogenetic location: 20p11.21.
Variant type: single nucleotide variant.
Coding change: c.1689G>C on transcript NM_022482.5 (MANE Select); coding-DNA position 1689, G replaced by C.
Protein change: p.Gln563His; replaces glutamine 563 with histidine.
Molecular consequence: missense variant.
Genome position (GRCh38, 1-based): chr20:23,369,645, G>C. VCF-style: chr20-23369645-G-C. GRCh37 (hg19) VCF-style: chr20-23350282-G-C.
Other names: c.1689G>C, p.Gln563His (NM_001317012.2, NM_001317019.1); short protein forms Q563H.
Identifiers: ClinVar variation 1978252 (VCV001978252.4), dbSNP rs140856017, ClinGen allele CA9788774.
Genomic context (GRCh38, chr20:23,369,645, plus strand): 5'-GGAGCGTCCCTACTGCTGTGACCAGTGCGGCAAGCAGTTCACCCAGCTCAACGCCCTCCA[G>C]CGCCACCGCCGCATCCACACAGGGGAGAGGCCATTCATGTGCAATGCGTGCGGACGGACA-3'
Protein context (NP_071927.1, residues 553-573): GKQFTQLNAL[Gln563His]RHRRIHTGER